The following is an entry in ClinVar:

ClinVar aggregate classification (germline): Uncertain significance. Review status: criteria provided, single submitter (1 of 4 stars). 2 submissions from 2 submitters: Uncertain significance (1). 1 of the submissions does not count toward it. Last evaluated 2022-02-19.

Conditions:
Brody myopathy. Also called: BRODY DISEASE. Identifiers: Orphanet 53347, MedGen C1832918, MONDO:0010977, OMIM 601003.

Allele frequency attached by ClinVar (database versions not stated): gnomAD below 0.00001 and 0.00001; gnomAD exomes 0.00001; TOPMed 0.00001.
gnomAD v4.1: 8 of 1,613,852 alleles (0.0005%); highest among the groups gnomAD compares: South Asian, 0.0011%; no homozygotes.

Submissions (2):

Labcorp Genetics (formerly Invitae), Labcorp
Classification: Uncertain significance for Brody myopathy. Last evaluated: 2022-02-19. Review status: criteria provided, single submitter. Criteria: Invitae Variant Classification Sherloc (09022015). Collection method: clinical testing. Allele origin: germline.
Comment: In summary, the available evidence is currently insufficient to determine the role of this variant in disease. Therefore, it has been classified as a Variant of Uncertain Significance. Algorithms developed to predict the effect of missense changes on protein structure and function are either unavailable or do not agree on the potential impact of this missense change (SIFT: "Deleterious"; PolyPhen-2: "Probably Damaging"; Align-GVGD: "Class C0"). ClinVar contains an entry for this variant (Variation ID: 574452). This missense change has been observed in individual(s) with Brody myopathy (PMID: 25614869). This variant is not present in population databases (gnomAD no frequency). This sequence change replaces glutamic acid, which is acidic and polar, with lysine, which is basic and polar, at codon 982 of the ATP2A1 protein (p.Glu982Lys).

OMIM
Classification: Pathogenic for BRODY DISEASE. Last evaluated: 2022-01-26. Review status: no assertion criteria provided. Collection method: literature only. Allele origin: germline. Not counted in ClinVar's aggregate classification.

Literature cited by the submitters: PubMed 25614869 (cited by Labcorp Genetics (formerly Invitae), Labcorp); Sambuughin, N., Zvaritch, E., Kraeva, N., Sizova, O., Sivak, E., Dickson, K., Weglinski, M., Capacchione, J., Muldoon, S., Riazi, S., Hamilton, S., Brandom, B., MacLennan, D. H. Exome analysis identifies Brody myopathy in a family diagnosed with malignant hyperthermia susceptibility. Molec. Genet. Genomic Med. 2: 472-483, 2014. (cited by OMIM).

NM_004320.6(ATP2A1):c.2944G>A (p.Glu982Lys)

Gene: ATP2A1 (ATPase sarcoplasmic/endoplasmic reticulum Ca2+ transporting 1; plus strand). Cytogenetic location: 16p11.2.
Variant type: single nucleotide variant.
Coding change: c.2944G>A on transcript NM_004320.6 (MANE Select); coding-DNA position 2944, G replaced by A.
Protein change: p.Glu982Lys; replaces glutamic acid 982 with lysine.
Molecular consequence: missense variant.
Genome position (GRCh38, 1-based): chr16:28,903,404, G>A. VCF-style: chr16-28903404-G-A. GRCh37 (hg19) VCF-style: chr16-28914725-G-A.
Other names: c.2569G>A, p.Glu857Lys (NM_001286075.2); c.2944G>A, p.Glu982Lys (NM_173201.5); short protein forms E982K, E857K.
Identifiers: ClinVar variation 574452 (VCV000574452.12), dbSNP rs538702357, ClinGen allele CA279245069.